The following is an entry in ClinVar:

NC_000003.11:g.(?_10132039)_(10132856_?)del

Genes: FANCD2OS (FANCD2 opposite strand; minus strand), FANCD2 (FA complementation group D2; plus strand). Cytogenetic location: 3p25.3.
Variant type: Deletion.
Identifiers: ClinVar variation 1345612 (VCV001345612.4).

ClinVar aggregate classification (germline): Likely pathogenic (1 of 4 stars; one submission).

Conditions:
Fanconi anemia (FA). Also called: Fanconi's anemia. Identifiers: Orphanet 84, MedGen C0015625, MeSH D005199, MONDO:0019391.

Submission:

Labcorp Genetics (formerly Invitae), Labcorp
Classification: Likely pathogenic for Fanconi anemia. Last evaluated: 2024-01-02. Review status: criteria provided, single submitter. Criteria: Invitae Variant Classification Sherloc (09022015). Collection method: clinical testing. Allele origin: germline.
Comment: This variant results in the deletion of part of exon 37 (c.3747_3777+787del) of the FANCD2 gene. It is expected to disrupt RNA splicing. Variants that disrupt the donor or acceptor splice site typically lead to a loss of protein function (PMID: 16199547), and loss-of-function variants in FANCD2 are known to be pathogenic (PMID: 17436244). This variant has not been reported in the literature in individuals affected with FANCD2-related conditions. ClinVar contains an entry for this variant (Variation ID: 1467582). In summary, the currently available evidence indicates that the variant is pathogenic, but additional data are needed to prove that conclusively. Therefore, this variant has been classified as Likely Pathogenic.

Literature cited by the submitters: PubMed 16199547; PubMed 17436244.